The following is an entry in ClinVar:

NM_005573.4(LMNB1):c.1027G>A (p.Glu343Lys)

Gene: LMNB1 (lamin B1; plus strand). Cytogenetic location: 5q23.2.
Variant type: single nucleotide variant.
Coding change: c.1027G>A on transcript NM_005573.4 (MANE Select); coding-DNA position 1027, G replaced by A.
Protein change: p.Glu343Lys; replaces glutamic acid 343 with lysine.
Molecular consequence: missense variant. On other transcripts: non-coding transcript variant (1).
Genome position (GRCh38, 1-based): chr5:126,819,009, G>A. VCF-style: chr5-126819009-G-A. GRCh37 (hg19) VCF-style: chr5-126154701-G-A.
Other names: c.397G>A, p.Glu133Lys (NM_001198557.2); short protein forms E343K, E133K.
Identifiers: ClinVar variation 1947805 (VCV001947805.5), dbSNP rs1306965510, ClinGen allele CA360725621.

ClinVar aggregate classification (germline): Uncertain significance (1 of 4 stars; one submission).

Allele frequency attached by ClinVar (database versions not stated): TOPMed 0.00002; gnomAD exomes below 0.00001; gnomAD 0.00001.
gnomAD v4.1: 2 of 1,612,806 alleles (0.00012%); highest among the groups gnomAD compares: African/African-American, 0.0013%; no homozygotes.

Submission:

Labcorp Genetics (formerly Invitae), Labcorp
Classification: Uncertain significance. Last evaluated: 2022-07-27. Review status: criteria provided, single submitter. Criteria: Invitae Variant Classification Sherloc (09022015). Collection method: clinical testing. Allele origin: germline.
Comment: In summary, the available evidence is currently insufficient to determine the role of this variant in disease. Therefore, it has been classified as a Variant of Uncertain Significance. Algorithms developed to predict the effect of missense changes on protein structure and function (SIFT, PolyPhen-2, Align-GVGD) all suggest that this variant is likely to be disruptive. This variant has not been reported in the literature in individuals affected with LMNB1-related conditions. This variant is not present in population databases (gnomAD no frequency). This sequence change replaces glutamic acid, which is acidic and polar, with lysine, which is basic and polar, at codon 343 of the LMNB1 protein (p.Glu343Lys).